The following is an entry in ClinVar:

NM_000059.4(BRCA2):c.8852C>G (p.Ala2951Gly)

Gene: BRCA2 (BRCA2 DNA repair associated; plus strand). Cytogenetic location: 13q13.1.
Variant type: single nucleotide variant.
Coding change: c.8852C>G on transcript NM_000059.4 (MANE Select); coding-DNA position 8852, C replaced by G.
Protein change: p.Ala2951Gly; replaces alanine 2951 with glycine.
Molecular consequence: missense variant.
Genome position (GRCh38, 1-based): chr13:32,379,414, C>G. VCF-style: chr13-32379414-C-G. GRCh37 (hg19) VCF-style: chr13-32953551-C-G.
Other names: c.8756C>G, p.Ala2919Gly (NM_001406719.1); c.8852C>G, p.Ala2951Gly (NM_001406720.1); c.3920C>G, p.Ala1307Gly (NM_001406721.1); c.2435C>G, p.Ala812Gly (NM_001406722.1); short protein forms A1307G, A2951G, A812G, A2919G.
Identifiers: ClinVar variation 1764887 (VCV001764887.2), dbSNP rs2137619875, ClinGen allele CA387756288.
Genomic context (GRCh38, chr13:32,379,414, plus strand): 5'-ATCACAGGCAAATGTTGAATGATAAGAAACAAGCTCAGATCCAGTTGGAAATTAGGAAGG[C>G]CATGGAATCTGCTGAACAAAAGGAACAAGGTTTATCAAGGGATGTCACAACCGTGTGGAA-3'
Protein context (NP_000050.3, residues 2941-2961): QAQIQLEIRK[Ala2951Gly]MESAEQKEQG

ClinVar aggregate classification (germline): Uncertain significance (1 of 4 stars; one submission).

Conditions:
Hereditary cancer-predisposing syndrome. Also called: Neoplastic Syndromes, Hereditary; Tumor predisposition; Hereditary Cancer Syndrome; Hereditary neoplastic syndrome. Identifiers: Orphanet 140162, MedGen C0027672, MeSH D009386, MONDO:0015356.

Submission:

Ambry Genetics
Classification: Uncertain significance for Hereditary cancer-predisposing syndrome. Last evaluated: 2021-12-24. Review status: criteria provided, single submitter. Criteria: Ambry Variant Classification Scheme 2023. Collection method: clinical testing. Allele origin: germline.
Comment: The p.A2951G variant (also known as c.8852C>G), located in coding exon 21 of the BRCA2 gene, results from a C to G substitution at nucleotide position 8852. The alanine at codon 2951 is replaced by glycine, an amino acid with similar properties. This amino acid position is conserved. In addition, the in silico prediction for this alteration is inconclusive. Since supporting evidence is limited at this time, the clinical significance of this alteration remains unclear.